The following is an entry in ClinVar:

ClinVar aggregate classification (germline): Uncertain significance (1 of 4 stars; one submission).

Conditions:
Hyperkalemic periodic paralysis. Also called: Familial hyperkalemic periodic paralysis; Gamstorp disease. Identifiers: Orphanet 682, MedGen C0238357, MONDO:0008224, OMIM 170500, HP:0007215.

gnomAD v4.1: 40 of 1,613,932 alleles (0.0025%); highest among the groups gnomAD compares: Non-Finnish European, 0.0031%; no homozygotes.

Submission:

Labcorp Genetics (formerly Invitae), Labcorp
Classification: Uncertain significance for Hyperkalemic periodic paralysis. Last evaluated: 2025-01-05. Review status: criteria provided, single submitter. Criteria: Invitae Variant Classification Sherloc (09022015). Collection method: clinical testing. Allele origin: germline.
Comment: This sequence change replaces leucine, which is neutral and non-polar, with isoleucine, which is neutral and non-polar, at codon 472 of the SCN4A protein (p.Leu472Ile). The frequency data for this variant in the population databases is considered unreliable, as metrics indicate poor data quality at this position in the gnomAD database. This missense change has been observed in individual(s) with autosomal dominant hypokalemic periodic paralysis (PMID: 38609989). Invitae Evidence Modeling of protein sequence and biophysical properties (such as structural, functional, and spatial information, amino acid conservation, physicochemical variation, residue mobility, and thermodynamic stability) indicates that this missense variant is not expected to disrupt SCN4A protein function with a negative predictive value of 95%. In summary, the available evidence is currently insufficient to determine the role of this variant in disease. Therefore, it has been classified as a Variant of Uncertain Significance.

Literature cited by the submitters: PubMed 38609989.

NM_000334.4(SCN4A):c.1414C>A (p.Leu472Ile)

Gene: SCN4A (sodium voltage-gated channel alpha subunit 4; minus strand). Cytogenetic location: 17q23.3.
Variant type: single nucleotide variant.
Coding change: c.1414C>A on transcript NM_000334.4 (MANE Select); coding-DNA position 1414, C replaced by A.
Protein change: p.Leu472Ile; replaces leucine 472 with isoleucine.
Molecular consequence: missense variant.
Genome position (GRCh38, 1-based): chr17:63,964,506, G>T on the plus strand (C>A on the coding strand, the complement: SCN4A is on the minus strand). VCF-style: chr17-63964506-G-T. GRCh37 (hg19) VCF-style: chr17-62041866-G-T.
Other names: short protein forms L472I.
Identifiers: ClinVar variation 3705320 (VCV003705320.2).